The following is an entry in ClinVar:

NM_177438.3(DICER1):c.307+5T>C

Gene: DICER1 (dicer 1, ribonuclease III; minus strand). Cytogenetic location: 14q32.13.
Variant type: single nucleotide variant.
Coding change: c.307+5T>C on transcript NM_177438.3 (MANE Select); 5 bases into the intron after coding-DNA position 307, T replaced by C.
Molecular consequence: intron variant.
Genome position (GRCh38, 1-based): chr14:95,132,510, A>G on the plus strand (T>C on the coding strand, the complement: DICER1 is on the minus strand). VCF-style: chr14-95132510-A-G. GRCh37 (hg19) VCF-style: chr14-95598847-A-G.
Other names: c.307+5T>C (NM_001291628.2, NM_030621.4, NM_001395677.1 and 14 more transcripts); c.33+5T>C (NM_001395690.1, NM_001395687.1, NM_001395689.1 and 4 more transcripts); c.-152+5T>C (NM_001395691.1); c.-1262+5T>C (NM_001395697.1).
Identifiers: ClinVar variation 1799495 (VCV001799495.5), dbSNP rs2543365910, ClinGen allele CA2580088994.

ClinVar aggregate classification (germline): Conflicting classifications of pathogenicity. Review status: criteria provided, conflicting classifications (1 of 4 stars). 2 submissions from 2 submitters: Uncertain significance (1); Likely benign (1). Last evaluated 2026-02-03.

Conditions:
Hereditary cancer-predisposing syndrome. Also called: Tumor predisposition; Hereditary Cancer Syndrome; Hereditary neoplastic syndrome; Neoplastic Syndromes, Hereditary. Identifiers: Orphanet 140162, MedGen C0027672, MeSH D009386, MONDO:0015356.
DICER1-related tumor predisposition. Also called: DICER1-related pleuropulmonary blastoma cancer predisposition syndrome; DICER1 syndrome. Identifiers: Orphanet 284343, MedGen C3839822, MONDO:0100216.

Submissions (2):

Ambry Genetics
Classification: Uncertain significance for Hereditary cancer-predisposing syndrome. Last evaluated: 2026-02-03. Review status: criteria provided, single submitter. Criteria: Ambry Variant Classification Scheme 2023. Collection method: clinical testing. Allele origin: germline.
Comment: The c.307+5T>C intronic variant results from a T to C substitution 5 nucleotides after coding exon 2 in the DICER1 gene. This nucleotide position is not well conserved in available vertebrate species. In silico splice site analysis predicts that this alteration will not have any significant effect on splicing. Based on the available evidence, the clinical significance of this variant remains unclear.

Labcorp Genetics (formerly Invitae), Labcorp
Classification: Likely benign for DICER1-related tumor predisposition. Last evaluated: 2024-12-02. Review status: criteria provided, single submitter. Criteria: Invitae Variant Classification Sherloc (09022015). Collection method: clinical testing. Allele origin: germline.